The following is an entry in ClinVar:

NM_003383.5(VLDLR):c.901C>T (p.Arg301Ter)

Gene: VLDLR (very low density lipoprotein receptor; plus strand). Cytogenetic location: 9p24.2.
Variant type: single nucleotide variant.
Coding change: c.901C>T on transcript NM_003383.5 (MANE Select); coding-DNA position 901, C replaced by T.
Protein change: p.Arg301Ter; replaces arginine 301 with a stop codon.
Molecular consequence: nonsense.
Genome position (GRCh38, 1-based): chr9:2,643,708, C>T. VCF-style: chr9-2643708-C-T. GRCh37 (hg19) VCF-style: chr9-2643708-C-T.
Other names: R301*; c.901C>T, p.Arg301Ter (NM_001018056.3); c.778C>T, p.Arg260Ter (NM_001322225.2, NM_001322226.2); short protein forms R260*.
Identifiers: ClinVar variation 2577844 (VCV002577844.5), dbSNP rs1817930102, ClinGen allele CA372792164.
Genomic context (GRCh38, chr9:2,643,708, plus strand): 5'-GACCAATTTGAATGTGAGGATGGCAGCTGCATCCATGGCAGCAGGCAGTGTAATGGTATC[C>T]GAGACTGTGTCGATGGTTCCGATGAAGTCAACTGCAAAAATGGTAAGGGTTTCTTCTTGT-3'

ClinVar aggregate classification (germline): Pathogenic. Review status: criteria provided, multiple submitters, no conflicts (2 of 4 stars). 3 submissions from 3 submitters: Pathogenic (2). 1 of the submissions does not count toward it. Last evaluated 2025-10-16.

Conditions:
Cerebellar ataxia, impaired intellectual development, and dysequilibrium syndrome 1. Also called: Cerebellar ataxia, intellectual disability, and dysequilibrium syndrome 1; CEREBELLAR ATAXIA AND MENTAL RETARDATION WITH OR WITHOUT QUADRUPEDAL LOCOMOTION 1; CEREBELLAR ATAXIA, CONGENITAL, AND MENTAL RETARDATION, AUTOSOMAL RECESSIVE; VLDLR Cerebellar Hypoplasia; Cerebellar ataxia, mental retardation, and dysequilibrium syndrome 1; Cerebellar hypoplasia and mental retardation with or without quadrupedal locomotion 1. Identifiers: Orphanet 1766, MedGen C4551552, MONDO:0024542, OMIM 224050.

gnomAD v4.1: 5 of 1,614,144 alleles (0.00031%); highest among the groups gnomAD compares: East Asian, 0.0022%; no homozygotes.

Submissions (3):

Dasa
Classification: Pathogenic. Last evaluated: 2025-10-16. Review status: criteria provided, single submitter. Criteria: DASA Assertion Criteria. Collection method: clinical testing. Allele origin: germline.
Comment: NM_003383.5(VLDLR):c.901C>T (p.Arg301*) introduces a premature termination codon predicted to result in loss of normal protein function. Loss-of-function is an established mechanism of disease for this gene. Segregation evidence has been reported in affected families. This variant has been observed in affected individuals with related phenotype in a genotype context consistent with recessive disease (PMID: 27000652). This variant has been reported in individuals with related phenotype (PMID: 27000652). The variant is present at low frequency in population datasets. Based on the available data, this variant is classified as pathogenic.

Labcorp Genetics (formerly Invitae), Labcorp
Classification: Pathogenic. Last evaluated: 2023-07-19. Review status: criteria provided, single submitter. Criteria: Invitae Variant Classification Sherloc (09022015). Collection method: clinical testing. Allele origin: germline.
Comment: For these reasons, this variant has been classified as Pathogenic. This premature translational stop signal has been observed in individual(s) with congenital cerebellar ataxia and intellectual disability (PMID: 27000652). This variant is not present in population databases (gnomAD no frequency). This sequence change creates a premature translational stop signal (p.Arg301*) in the VLDLR gene. It is expected to result in an absent or disrupted protein product. Loss-of-function variants in VLDLR are known to be pathogenic (PMID: 18043714, 18326629, 22532556).

OMIM
Classification: Pathogenic for CEREBELLAR ATAXIA, IMPAIRED INTELLECTUAL DEVELOPMENT, AND DYSEQUILIBRIUM SYNDROME 1. Last evaluated: 2023-08-29. Review status: no assertion criteria provided. Collection method: literature only. Allele origin: germline. Not counted in ClinVar's aggregate classification.

Literature cited by the submitters: PubMed 27000652 (cited by 3 submitters); PubMed 18043714 (cited by Labcorp Genetics (formerly Invitae), Labcorp); PubMed 18326629 (cited by Labcorp Genetics (formerly Invitae), Labcorp); PubMed 22532556 (cited by Labcorp Genetics (formerly Invitae), Labcorp).